The following is an entry in ClinVar:

ClinVar aggregate classification (germline): Conflicting classifications of pathogenicity. Review status: criteria provided, conflicting classifications (1 of 4 stars). 2 submissions from 2 submitters: Likely pathogenic (1); Uncertain significance (1). Last evaluated 2024-03-21.

Conditions:
Autosomal recessive Parkinson disease 14. Also called: DYSTONIA-PARKINSONISM, ADULT-ONSET; PARKINSON DISEASE 14. Identifiers: Orphanet 199351, MedGen C2751842, MONDO:0013060, OMIM 612953.
Infantile neuroaxonal dystrophy (NBIA2A). Also called: NEURODEGENERATION WITH BRAIN IRON ACCUMULATION 2A; SEITELBERGER DISEASE; Infantile neuroaxonal dystrophy 1. Identifiers: Orphanet 35069, MedGen C0270724, MONDO:0024457, OMIM 256600.
Neurodegeneration with brain iron accumulation 2B. Also called: NEUROAXONAL DYSTROPHY, ATYPICAL; NEURODEGENERATION WITH BRAIN IRON ACCUMULATION, PLA2G6-RELATED; aNAD; atypical Neuroaxonal Dystrophy (aNAD). Identifiers: Orphanet 35069, MedGen C1857747, MONDO:0012444, OMIM 610217.

gnomAD v4.1: 5 of 1,613,994 alleles (0.00031%); highest among the groups gnomAD compares: Non-Finnish European, 0.00042%; no homozygotes.

Submissions (2):

Fulgent Genetics
Classification: Likely pathogenic for Infantile neuroaxonal dystrophy; Neurodegeneration with brain iron accumulation 2B; Autosomal recessive Parkinson disease 14. Last evaluated: 2024-03-21. Review status: criteria provided, single submitter. Criteria: ACMG Guidelines, 2015. Collection method: clinical testing. Allele origin: germline.

Women's Health and Genetics/Laboratory Corporation of America, LabCorp
Classification: Uncertain significance. Last evaluated: 2024-03-15. Review status: criteria provided, single submitter. Criteria: LabCorp Variant Classification Summary - May 2015. Collection method: clinical testing. Allele origin: germline.
Comment: Variant summary: PLA2G6 c.1772G>T (p.Arg591Leu) results in a non-conservative amino acid change located in the Patatin-like phospholipase domain (IPR002641) of the encoded protein sequence. Five of five in-silico tools predict a damaging effect of the variant on protein function. The variant was absent in 251176 control chromosomes. The available data on variant occurrences in the general population are insufficient to allow any conclusion about variant significance. To our knowledge, no occurrence of c.1772G>T in individuals affected with Neurodegeneration With Brain Iron Accumulation and no experimental evidence demonstrating its impact on protein function have been reported. No submitters have cited clinical-significance assessments for this variant to ClinVar. Based on the evidence outlined above, the variant was classified as uncertain significance.

NM_003560.4(PLA2G6):c.1772G>T (p.Arg591Leu)

Gene: PLA2G6 (phospholipase A2 group VI; minus strand). Cytogenetic location: 22q13.1.
Variant type: single nucleotide variant.
Coding change: c.1772G>T on transcript NM_003560.4 (MANE Select); coding-DNA position 1772, G replaced by T.
Protein change: p.Arg591Leu; replaces arginine 591 with leucine.
Molecular consequence: missense variant.
Genome position (GRCh38, 1-based): chr22:38,116,182, C>A on the plus strand (G>T on the coding strand, the complement: PLA2G6 is on the minus strand). VCF-style: chr22-38116182-C-A. GRCh37 (hg19) VCF-style: chr22-38512189-C-A.
Other names: c.1610G>T, p.Arg537Leu (NM_001004426.3, NM_001199562.3, NM_001349865.2 and 1 more transcripts); c.1772G>T, p.Arg591Leu (NM_001349864.2); c.1238G>T, p.Arg413Leu (NM_001349867.2); c.1094G>T, p.Arg365Leu (NM_001349868.2); c.1076G>T, p.Arg359Leu (NM_001349869.2); short protein forms R359L, R365L, R413L, R537L, R591L.
Identifiers: ClinVar variation 3233924 (VCV003233924.3), dbSNP rs776713955, ClinGen allele CA411525741.